The following is an entry in ClinVar:

NM_001244008.2(KIF1A):c.364-3C>A

Gene: KIF1A (kinesin family member 1A; minus strand). Cytogenetic location: 2q37.3.
Variant type: single nucleotide variant.
Coding change: c.364-3C>A on transcript NM_001244008.2 (MANE Select); 3 bases into the intron before coding-DNA position 364, C replaced by A.
Molecular consequence: intron variant.
Genome position (GRCh38, 1-based): chr2:240,787,319, G>T on the plus strand (C>A on the coding strand, the complement: KIF1A is on the minus strand). VCF-style: chr2-240787319-G-T. GRCh37 (hg19) VCF-style: chr2-241726736-G-T.
Other names: c.364-3C>A (NM_001379653.1, NM_001379650.1, NM_001379645.1 and 20 more transcripts).
Identifiers: ClinVar variation 1030764 (VCV001030764.7), dbSNP rs2055065906, ClinGen allele CA1339291061.

ClinVar aggregate classification (germline): Uncertain significance. Review status: criteria provided, multiple submitters, no conflicts (2 of 4 stars). 2 submissions from 2 submitters: Uncertain significance (2). Last evaluated 2025-06-19.

Conditions:
Neuropathy, hereditary sensory, type 2C. Also called: Hereditary sensory and autonomic neuropathy type IIC; KIF1A-Related HSAN2 (HSAN2C). Identifiers: Orphanet 970, MedGen C3280168, MONDO:0013634, OMIM 614213.
Intellectual disability, autosomal dominant 9 (NESCAVS). Also called: KIF1A-Related Neurodevelopmental Disorder; NESCAV SYNDROME. Identifiers: Orphanet 662367, MedGen C5393830, MONDO:0013656, OMIM 614255.
Hereditary spastic paraplegia 30. Identifiers: Orphanet 101010, MedGen C5235139, MONDO:0012476.

Allele frequency attached by ClinVar (database versions not stated): gnomAD exomes below 0.00001; TOPMed below 0.00001.
gnomAD v4.1: 2 of 1,612,856 alleles (0.00012%); highest among the groups gnomAD compares: African/African-American, 0.0027%; no homozygotes.

Submissions (2):

Labcorp Genetics (formerly Invitae), Labcorp
Classification: Uncertain significance for Hereditary spastic paraplegia 30; Neuropathy, hereditary sensory, type 2C; Intellectual disability, autosomal dominant 9. Last evaluated: 2025-06-19. Review status: criteria provided, single submitter. Criteria: Invitae Variant Classification Sherloc (09022015). Collection method: clinical testing. Allele origin: germline.
Comment: This sequence change falls in intron 3 of the KIF1A gene. It does not directly change the encoded amino acid sequence of the KIF1A protein. It affects a nucleotide within the consensus splice site. This variant is not present in population databases (gnomAD no frequency). This variant has not been reported in the literature in individuals affected with KIF1A-related conditions. ClinVar contains an entry for this variant (Variation ID: 1030764). Variants that disrupt the consensus splice site are a relatively common cause of aberrant splicing (PMID: 17576681, 9536098). Algorithms developed to predict the effect of sequence changes on RNA splicing suggest that this variant is not likely to affect RNA splicing. In summary, the available evidence is currently insufficient to determine the role of this variant in disease. Therefore, it has been classified as a Variant of Uncertain Significance.

Baylor Genetics
Classification: Uncertain significance for Neuropathy, hereditary sensory, type 2C. Last evaluated: 2019-12-17. Review status: criteria provided, single submitter. Criteria: ACMG Guidelines, 2015. Collection method: clinical testing. Allele origin: unknown. Affected: yes.
Comment: This variant was determined to be of uncertain significance according to ACMG Guidelines, 2015 [PMID:25741868].

Literature cited by the submitters: PubMed 17576681 (cited by Labcorp Genetics (formerly Invitae), Labcorp); PubMed 9536098 (cited by Labcorp Genetics (formerly Invitae), Labcorp).